The following is an entry in ClinVar:

ClinVar aggregate classification (germline): Pathogenic/Likely pathogenic. Review status: criteria provided, multiple submitters, no conflicts (2 of 4 stars). 3 submissions from 3 submitters: Pathogenic (2); Likely pathogenic (1). Last evaluated 2025-06-04.

Conditions:
Galloway-Mowat syndrome 3. Identifiers: MedGen C4540266, MONDO:0033007, OMIM 617729.

gnomAD v4.1: 8 of 1,613,602 alleles (0.0005%); highest among the groups gnomAD compares: Non-Finnish European, 0.00068%; no homozygotes.

Submissions (3):

Labcorp Genetics (formerly Invitae), Labcorp
Classification: Pathogenic. Last evaluated: 2025-06-04. Review status: criteria provided, single submitter. Criteria: Invitae Variant Classification Sherloc (09022015). Collection method: clinical testing. Allele origin: germline.
Comment: This sequence change creates a premature translational stop signal (p.Arg50*) in the OSGEP gene. It is expected to result in an absent or disrupted protein product. Loss-of-function variants in OSGEP are known to be pathogenic (PMID: 28805828, 34666032). This variant is not present in population databases (gnomAD no frequency). This variant has not been reported in the literature in individuals affected with OSGEP-related conditions. Algorithms developed to predict the effect of sequence changes on RNA splicing suggest that this variant may disrupt the consensus splice site. For these reasons, this variant has been classified as Pathogenic.

Clinical Genetics Service, Universitary Hospital 12 de Octubre
Classification: Likely pathogenic for Galloway-Mowat syndrome 3. Review status: criteria provided, single submitter. Criteria: ACMG Guidelines, 2015. Collection method: clinical testing. Allele origin: germline. Affected: yes.

Juno Genomics, Hangzhou Juno Genomics, Inc
Classification: Pathogenic for Galloway-Mowat syndrome 3. Review status: criteria provided, single submitter. Criteria: ACMG Guidelines, 2015. Collection method: clinical testing. Allele origin: germline. Affected: yes.
Comment: Absent from controls (or at extremely low frequency if recessive) in Genome Aggregation Database, Exome Sequencing Project, 1000 Genomes Project, or Exome Aggregation Consortium.;Null variant in a gene where loss of function (LOF) is a known mechanism of disease.;Patient's phenotype or family history is highly specific for a disease with a single genetic etiology.

Literature cited by the submitters: PubMed 28805828 (cited by Labcorp Genetics (formerly Invitae), Labcorp); PubMed 34666032 (cited by Labcorp Genetics (formerly Invitae), Labcorp).

NM_017807.4(OSGEP):c.148C>T (p.Arg50Ter)

Genes: OSGEP (O-sialoglycoprotein endopeptidase; minus strand), LOC107372315 (OSGEP/APEX1 bi-directional promoter region; plus strand). Cytogenetic location: 14q11.2.
Variant type: single nucleotide variant.
Coding change: c.148C>T on transcript NM_017807.4 (MANE Select); coding-DNA position 148, C replaced by T.
Protein change: p.Arg50Ter; replaces arginine 50 with a stop codon.
Molecular consequence: nonsense.
Genome position (GRCh38, 1-based): chr14:20,452,416, G>A on the plus strand (C>T on the coding strand, the complement: OSGEP is on the minus strand). VCF-style: chr14-20452416-G-A. GRCh37 (hg19) VCF-style: chr14-20920575-G-A.
Other names: short protein forms R50*.
Identifiers: ClinVar variation 4531209 (VCV004531209.3).
Genomic context (GRCh38, chr14:20,452,416, plus strand): 5'-CCTGGGAGGTTAATCCAGACTCTGTTAGTGCCTCCTGCAGCAGGTCTAGGATAACAGCTC[G>A]GTGATGCCTGGCTGTATCACCTGGAAGGAATCCTAGAAAATGAACATAGGTCAGAGATCA-3'